The following is an entry in ClinVar:

NM_016138.5(COQ7):c.293A>G (p.Asn98Ser)

Gene: COQ7 (coenzyme Q7, hydroxylase; plus strand). Cytogenetic location: 16p12.3.
Variant type: single nucleotide variant.
Coding change: c.293A>G on transcript NM_016138.5 (MANE Select); coding-DNA position 293, A replaced by G.
Protein change: p.Asn98Ser; replaces asparagine 98 with serine.
Molecular consequence: missense variant. On other transcripts: non-coding transcript variant (2).
Genome position (GRCh38, 1-based): chr16:19,073,961, A>G. VCF-style: chr16-19073961-A-G. GRCh37 (hg19) VCF-style: chr16-19085283-A-G.
Other names: c.179A>G, p.Asn60Ser (NM_001190983.2, NM_001370492.1, NM_001370493.1 and 2 more transcripts); c.251A>G, p.Asn84Ser (NM_001370489.1, NM_001370491.1); c.293A>G, p.Asn98Ser (NM_001370490.1); c.293A>G (NM_016138.4); short protein forms N60S, N84S, N98S.
Identifiers: ClinVar variation 1525491 (VCV001525491.4), dbSNP rs184471591, ClinGen allele CA7932962.

ClinVar aggregate classification (germline): Conflicting classifications of pathogenicity. Review status: criteria provided, conflicting classifications (1 of 4 stars). 2 submissions from 2 submitters: Uncertain significance (1); Likely benign (1). Last evaluated 2022-07-21.

Allele frequency attached by ClinVar (database versions not stated): 1000 Genomes Project 30x 0.00047; 1000 Genomes Project 0.00060.
gnomAD v4.1: 313 of 1,613,866 alleles (0.019%); highest among the groups gnomAD compares: South Asian, 0.032%; no homozygotes.

Submissions (2):

Labcorp Genetics (formerly Invitae), Labcorp
Classification: Uncertain significance. Last evaluated: 2022-07-21. Review status: criteria provided, single submitter. Criteria: Invitae Variant Classification Sherloc (09022015). Collection method: clinical testing. Allele origin: germline.
Comment: This sequence change replaces asparagine, which is neutral and polar, with serine, which is neutral and polar, at codon 98 of the COQ7 protein (p.Asn98Ser). This variant is present in population databases (rs184471591, gnomAD 0.03%). This variant has not been reported in the literature in individuals affected with COQ7-related conditions. ClinVar contains an entry for this variant (Variation ID: 1525491). Algorithms developed to predict the effect of missense changes on protein structure and function output the following: SIFT: "Tolerated"; PolyPhen-2: "Benign"; Align-GVGD: "Class C0". The serine amino acid residue is found in multiple mammalian species, which suggests that this missense change does not adversely affect protein function. Algorithms developed to predict the effect of sequence changes on RNA splicing suggest that this variant may create or strengthen a splice site. In summary, the available evidence is currently insufficient to determine the role of this variant in disease. Therefore, it has been classified as a Variant of Uncertain Significance.

Ambry Genetics
Classification: Likely benign. Last evaluated: 2021-08-16. Review status: criteria provided, single submitter. Criteria: Ambry Variant Classification Scheme 2023. Collection method: clinical testing. Allele origin: germline.